The following is an entry in ClinVar:

ClinVar aggregate classification (germline): Uncertain significance. Review status: criteria provided, multiple submitters, no conflicts (2 of 4 stars). 2 submissions from 2 submitters: Uncertain significance (2). Last evaluated 2025-12-23.

Conditions:
DICER1-related tumor predisposition. Also called: DICER1-related pleuropulmonary blastoma cancer predisposition syndrome; DICER1 syndrome. Identifiers: Orphanet 284343, MedGen C3839822, MONDO:0100216.

Submissions (2):

Labcorp Genetics (formerly Invitae), Labcorp
Classification: Uncertain significance for DICER1-related tumor predisposition. Last evaluated: 2025-12-23. Review status: criteria provided, single submitter. Criteria: Invitae Variant Classification Sherloc (09022015). Collection method: clinical testing. Allele origin: germline.
Comment: This sequence change replaces alanine, which is neutral and non-polar, with threonine, which is neutral and polar, at codon 103 of the DICER1 protein (p.Ala103Thr). This variant also falls at the last nucleotide of exon 3, which is part of the consensus splice site for this exon. This variant is not present in population databases (gnomAD no frequency). This variant has not been reported in the literature in individuals affected with DICER1-related conditions. ClinVar contains an entry for this variant (Variation ID: 1802875). Invitae Evidence Modeling of protein sequence and biophysical properties (such as structural, functional, and spatial information, amino acid conservation, physicochemical variation, residue mobility, and thermodynamic stability) indicates that this missense variant is not expected to disrupt DICER1 protein function with a negative predictive value of 95%. Variants that disrupt the consensus splice site are a relatively common cause of aberrant splicing (PMID: 17576681, 9536098). Algorithms developed to predict the effect of sequence changes on RNA splicing suggest that this variant may disrupt the consensus splice site. In summary, the available evidence is currently insufficient to determine the role of this variant in disease. Therefore, it has been classified as a Variant of Uncertain Significance.

Center for Genomic Medicine, Rigshospitalet, Copenhagen University Hospital
Classification: Uncertain significance. Last evaluated: 2025-03-04. Review status: criteria provided, single submitter. Criteria: ACMG Guidelines, 2015. Collection method: clinical testing. Allele origin: germline.

Literature cited by the submitters: PubMed 17576681 (cited by Labcorp Genetics (formerly Invitae), Labcorp); PubMed 9536098 (cited by Labcorp Genetics (formerly Invitae), Labcorp).

NM_177438.3(DICER1):c.307G>A (p.Ala103Thr)

Gene: DICER1 (dicer 1, ribonuclease III; minus strand). Cytogenetic location: 14q32.13.
Variant type: single nucleotide variant.
Coding change: c.307G>A on transcript NM_177438.3 (MANE Select); coding-DNA position 307, G replaced by A.
Protein change: p.Ala103Thr; replaces alanine 103 with threonine.
Molecular consequence: missense variant. On other transcripts: synonymous variant (7), 5 prime UTR variant (2), non-coding transcript variant (6).
Genome position (GRCh38, 1-based): chr14:95,132,515, C>T on the plus strand (G>A on the coding strand, the complement: DICER1 is on the minus strand). VCF-style: chr14-95132515-C-T. GRCh37 (hg19) VCF-style: chr14-95598852-C-T.
Other names: c.307G>A, p.Ala103Thr (NM_001195573.1, NM_001271282.3, NM_001291628.2 and 15 more transcripts); c.33G>A, p.Leu11= (NM_001395686.1, NM_001395687.1, NM_001395688.1 and 4 more transcripts); c.-152G>A (NM_001395691.1); c.-1262G>A (NM_001395697.1); short protein forms A103T.
Identifiers: ClinVar variation 1802875 (VCV001802875.6), dbSNP rs2543366059, ClinGen allele CA390889593.